The following is an entry in ClinVar:

NC_000019.10:g.13927896_13927905del

Gene: CC2D1A (coiled-coil and C2 domain containing 1A; plus strand). Cytogenetic location: 19p13.12.
Variant type: Deletion.
Genome position: GRCh38 VCF-style: chr19-13927891-AGGTCCTGGAT-A. GRCh37 (hg19) VCF-style: chr19-14038704-AGGTCCTGGAT-A.
Identifiers: ClinVar variation 2719486 (VCV002719486.3), dbSNP rs2513137623, ClinGen allele CA2697556314.

ClinVar aggregate classification (germline): Pathogenic (1 of 4 stars; one submission).

Submission:

Labcorp Genetics (formerly Invitae), Labcorp
Classification: Pathogenic. Last evaluated: 2023-06-20. Review status: criteria provided, single submitter. Criteria: Invitae Variant Classification Sherloc (09022015). Collection method: clinical testing. Allele origin: germline.
Comment: This sequence change creates a premature translational stop signal (p.Leu774Alafs*10) in the CC2D1A gene. It is expected to result in an absent or disrupted protein product. Loss-of-function variants in CC2D1A are known to be pathogenic (PMID: 16033914). For these reasons, this variant has been classified as Pathogenic. This variant has not been reported in the literature in individuals affected with CC2D1A-related conditions. This variant is not present in population databases (gnomAD no frequency).

Literature cited by the submitters: PubMed 16033914.